The following is an entry in ClinVar:

NC_000019.9:g.(?_50887648)_(50921204_?)dup

Gene: POLD1 (DNA polymerase delta 1, catalytic subunit; plus strand). Cytogenetic location: 19q13.33.
Variant type: Duplication.
Identifiers: ClinVar variation 3248473 (VCV003248473.1).

ClinVar aggregate classification (germline): Uncertain significance (1 of 4 stars; one submission).

Conditions:
POLD1-related polyposis and colorectal cancer syndrome (CRCS10). Also called: Colorectal cancer 10; COLORECTAL CANCER, SUSCEPTIBILITY TO, ON CHROMOSOME 19q; Colorectal cancer, susceptibility to, 10. Identifiers: Orphanet 220460, MedGen C2675481, MONDO:0012953, OMIM 612591.

Submission:

Labcorp Genetics (formerly Invitae), Labcorp
Classification: Uncertain significance for POLD1-related polyposis and colorectal cancer syndrome. Last evaluated: 2023-11-02. Review status: criteria provided, single submitter. Criteria: Invitae Variant Classification Sherloc (09022015). Collection method: clinical testing. Allele origin: unknown.
Comment: A copy number gain of the genomic region encompassing the full coding sequence of the POLD1 gene has been identified. The boundaries of this event are unknown as they extend beyond the assayed region for this gene and therefore may encompass additional genes. As the precise location of this event is unknown, it may be in tandem or it may be located elsewhere in the genome. This variant has not been reported in the literature in individuals affected with POLD1-related conditions. Experimental studies and prediction algorithms are not available or were not evaluated, and the functional significance of this variant is currently unknown. In summary, the available evidence is currently insufficient to determine the role of this variant in disease. Therefore, it has been classified as a Variant of Uncertain Significance.